The following is an entry in ClinVar:

ClinVar aggregate classification (germline): Uncertain significance. Review status: criteria provided, multiple submitters, no conflicts (2 of 4 stars). 3 submissions from 3 submitters: Uncertain significance (3). Last evaluated 2025-12-22.

Conditions:
Cardiovascular phenotype. Identifiers: MedGen CN230736.
Progressive familial heart block type IB (PFHB1B). Identifiers: Orphanet 871, MedGen C1970298, MONDO:0011474, OMIM 604559.

Allele frequency attached by ClinVar (database versions not stated): gnomAD 0.00001; gnomAD exomes 0.00001; TOPMed 0.00002; ExAC 0.00005.
gnomAD v4.1: 16 of 1,613,546 alleles (0.00099%); highest among the groups gnomAD compares: East Asian, 0.034%; no homozygotes.

Submissions (3):

GeneDx
Classification: Uncertain significance. Last evaluated: 2025-12-22. Review status: criteria provided, single submitter. Criteria: GeneDx Variant Classification Process June 2021. Collection method: clinical testing. Allele origin: germline.
Comment: In silico analysis suggests that this missense variant does not alter protein structure/function; Has not been previously published as pathogenic or benign to our knowledge

Labcorp Genetics (formerly Invitae), Labcorp
Classification: Uncertain significance for Progressive familial heart block type IB. Last evaluated: 2025-11-17. Review status: criteria provided, single submitter. Criteria: Invitae Variant Classification Sherloc (09022015). Collection method: clinical testing. Allele origin: germline.
Comment: This sequence change replaces alanine, which is neutral and non-polar, with valine, which is neutral and non-polar, at codon 1001 of the TRPM4 protein (p.Ala1001Val). This variant is present in population databases (rs761683883, gnomAD 0.06%). This variant has not been reported in the literature in individuals affected with TRPM4-related conditions. ClinVar contains an entry for this variant (Variation ID: 2079920). An algorithm developed to predict the effect of missense changes on protein structure and function (PolyPhen-2) suggests that this variant is likely to be tolerated. In summary, the available evidence is currently insufficient to determine the role of this variant in disease. Therefore, it has been classified as a Variant of Uncertain Significance.

Ambry Genetics
Classification: Uncertain significance for Cardiovascular phenotype. Last evaluated: 2023-06-14. Review status: criteria provided, single submitter. Criteria: Ambry Variant Classification Scheme 2023. Collection method: clinical testing. Allele origin: germline.
Comment: The p.A1001V variant (also known as c.3002C>T), located in coding exon 20 of the TRPM4 gene, results from a C to T substitution at nucleotide position 3002. The alanine at codon 1001 is replaced by valine, an amino acid with similar properties. This amino acid position is conserved. In addition, this alteration is predicted to be tolerated by in silico analysis. Since supporting evidence is limited at this time, the clinical significance of this alteration remains unclear.

NM_017636.4(TRPM4):c.3002C>T (p.Ala1001Val)

Gene: TRPM4 (transient receptor potential cation channel subfamily M member 4; plus strand). Cytogenetic location: 19q13.33.
Variant type: single nucleotide variant.
Coding change: c.3002C>T on transcript NM_017636.4 (MANE Select); coding-DNA position 3002, C replaced by T.
Protein change: p.Ala1001Val; replaces alanine 1001 with valine.
Molecular consequence: missense variant.
Genome position (GRCh38, 1-based): chr19:49,202,012, C>T. VCF-style: chr19-49202012-C-T. GRCh37 (hg19) VCF-style: chr19-49705269-C-T.
Other names: c.2567C>T, p.Ala856Val (NM_001195227.2); c.2657C>T, p.Ala886Val (NM_001321281.2); c.1394C>T, p.Ala465Val (NM_001321282.2); c.2480C>T, p.Ala827Val (NM_001321283.2); c.1940C>T, p.Ala647Val (NM_001321285.2); short protein forms A465V, A827V, A647V, A886V, A1001V, A856V.
Identifiers: ClinVar variation 2079920 (VCV002079920.7), dbSNP rs761683883, ClinGen allele CA9569740.